The following is an entry in ClinVar:

ClinVar aggregate classification (germline): Uncertain significance (1 of 4 stars; one submission).

Allele frequency attached by ClinVar (database versions not stated): ExAC 0.00001.

Submission:

Labcorp Genetics (formerly Invitae), Labcorp
Classification: Uncertain significance. Last evaluated: 2021-12-30. Review status: criteria provided, single submitter. Criteria: Invitae Variant Classification Sherloc (09022015). Collection method: clinical testing. Allele origin: germline.
Comment: This sequence change replaces valine, which is neutral and non-polar, with isoleucine, which is neutral and non-polar, at codon 140 of the ADGRG1 protein (p.Val140Ile). This variant is present in population databases (rs755704571, gnomAD no frequency). This variant has not been reported in the literature in individuals affected with ADGRG1-related conditions. Advanced modeling of protein sequence and biophysical properties (such as structural, functional, and spatial information, amino acid conservation, physicochemical variation, residue mobility, and thermodynamic stability) performed at Invitae indicates that this missense variant is not expected to disrupt ADGRG1 protein function. In summary, the available evidence is currently insufficient to determine the role of this variant in disease. Therefore, it has been classified as a Variant of Uncertain Significance.

NM_201525.4(ADGRG1):c.418G>A (p.Val140Ile)

Gene: ADGRG1 (adhesion G protein-coupled receptor G1; plus strand). Cytogenetic location: 16q21.
Variant type: single nucleotide variant.
Coding change: c.418G>A on transcript NM_201525.4 (MANE Select); coding-DNA position 418, G replaced by A.
Protein change: p.Val140Ile; replaces valine 140 with isoleucine.
Molecular consequence: missense variant. On other transcripts: 5 prime UTR variant (5), intron variant (1).
Genome position (GRCh38, 1-based): chr16:57,651,553, G>A. VCF-style: chr16-57651553-G-A. GRCh37 (hg19) VCF-style: chr16-57685465-G-A.
Other names: c.418G>A, p.Val140Ile (NM_001370431.1, NM_001370432.1, NM_001370434.1 and 16 more transcripts); c.433G>A, p.Val145Ile (NM_001370433.1, NM_001145773.3); c.-108G>A (NM_001290143.2, NM_001290144.2, NM_001370451.1 and 2 more transcripts); c.262G>A, p.Val88Ile (NM_001370442.1); c.110+308G>A (NM_001290142.2); short protein forms V140I, V145I, V88I.
Identifiers: ClinVar variation 1936615 (VCV001936615.2), dbSNP rs755704571, ClinGen allele CA8078356.